The following is an entry in ClinVar:

NM_003611.3(OFD1):c.2924_2928+62inv

Gene: OFD1 (OFD1 centriole and centriolar satellite protein; plus strand). Cytogenetic location: Xp22.2.
Variant type: Inversion.
Coding change: c.2924_2928+62inv on transcript NM_003611.3 (MANE Select).
Molecular consequence: splice donor variant.
Genome position: GRCh38: chrX:13,768,220-13,768,286. GRCh37 (hg19): chrX:13,786,339-13,786,405.
Other names: c.2504_2508+62inv (NM_001330210.2); c.2804_2808+62inv (NM_001330209.2).
Identifiers: ClinVar variation 1413298 (VCV001413298.1), ClinGen allele CA2573158411.

ClinVar aggregate classification (germline): Uncertain significance (1 of 4 stars; one submission).

Conditions:
Joubert syndrome. Also called: CEREBELLOPARENCHYMAL DISORDER IV; JOUBERT-BOLTSHAUSER SYNDROME; Familial aplasia of the vermis. Identifiers: Orphanet 475, MedGen C5979921, MONDO:0018772.
Orofaciodigital syndrome I (OFD1). Also called: OFDS I; Papillon-Leage and Psaume Syndrome; Oral-Facial-Digital Syndrome Type I. Identifiers: Orphanet 2750, MedGen C1510460, MONDO:0010702, OMIM 311200.

Submission:

Labcorp Genetics (formerly Invitae), Labcorp
Classification: Uncertain significance for Orofaciodigital syndrome I; Joubert syndrome. Last evaluated: 2021-08-26. Review status: criteria provided, single submitter. Criteria: Invitae Variant Classification Sherloc (09022015). Collection method: clinical testing. Allele origin: germline.
Comment: This sequence change is a complex rearrangement involving exon 21 of the OFD1 gene. Although the exact nature of the event is unknown, it is likely to result in an absent or disrupted protein product. This variant is not present in population databases (ExAC no frequency). This complex rearrangement has been observed in individual(s) with nonsyndromic retinitis pigmentosa (Invitae). Experimental studies and prediction algorithms are not available or were not evaluated, and the functional significance of this variant is currently unknown. In summary, the available evidence is currently insufficient to determine the role of this variant in disease. Therefore, it has been classified as a Variant of Uncertain Significance.